The following is an entry in ClinVar:

ClinVar aggregate classification (germline): Benign (0 of 4 stars; one submission).

Conditions:
CARD10-related disorder. Also called: CARD10-related condition.

Allele frequency attached by ClinVar (database versions not stated): ESP Exome Variant Server 0.00008; gnomAD exomes 0.00051; TOPMed 0.00066; gnomAD 0.00067; 1000 Genomes Project 30x 0.00250; 1000 Genomes Project 0.00260; ExAC 0.00275.
gnomAD v4.1: 849 of 1,567,024 alleles (0.054%); highest among the groups gnomAD compares: East Asian, 1.3%; 6 homozygotes.

Submission:

PreventionGenetics, part of Exact Sciences
Classification: Benign for CARD10-related condition. Last evaluated: 2019-09-17. Review status: no assertion criteria provided. Collection method: clinical testing. Allele origin: germline.
Comment: This variant is classified as benign based on ACMG/AMP sequence variant interpretation guidelines (Richards et al. 2015 PMID: 25741868, with internal and published modifications).

NM_014550.4(CARD10):c.3077G>A (p.Cys1026Tyr)

Gene: CARD10 (caspase recruitment domain family member 10; minus strand). Cytogenetic location: 22q13.1.
Variant type: single nucleotide variant.
Coding change: c.3077G>A on transcript NM_014550.4 (MANE Select); coding-DNA position 3077, G replaced by A.
Protein change: p.Cys1026Tyr; replaces cysteine 1026 with tyrosine.
Molecular consequence: missense variant.
Genome position (GRCh38, 1-based): chr22:37,491,181, C>T on the plus strand (G>A on the coding strand, the complement: CARD10 is on the minus strand). VCF-style: chr22-37491181-C-T. GRCh37 (hg19) VCF-style: chr22-37887219-C-T.
Other names: short protein forms C1026Y.
Identifiers: ClinVar variation 3040877 (VCV003040877.2), dbSNP rs151290630, ClinGen allele CA10219280.